The following is an entry in ClinVar:

ClinVar aggregate classification (germline): Likely benign (1 of 4 stars; one submission).

Submission:

GeneDx
Classification: Likely benign. Last evaluated: 2016-12-23. Review status: criteria provided, single submitter. Criteria: GeneDx Variant Classification (06012015). Collection method: clinical testing. Allele origin: germline. Affected: yes.
Comment: This variant is considered likely benign or benign based on one or more of the following criteria: it is a conservative change, it occurs at a poorly conserved position in the protein, it is predicted to be benign by multiple in silico algorithms, and/or has population frequency not consistent with disease.

NM_000051.4(ATM):c.3077+13T>A

Gene: ATM (ATM serine/threonine kinase; plus strand). Cytogenetic location: 11q22.3.
Variant type: single nucleotide variant.
Coding change: c.3077+13T>A on transcript NM_000051.4 (MANE Select); 13 bases into the intron after coding-DNA position 3077, T replaced by A.
Molecular consequence: intron variant.
Genome position (GRCh38, 1-based): chr11:108,271,419, T>A. VCF-style: chr11-108271419-T-A. GRCh37 (hg19) VCF-style: chr11-108142146-T-A.
Other names: c.3077+13T>A (NM_001351834.2).
Identifiers: ClinVar variation 391714 (VCV000391714.1), dbSNP rs1057524204, ClinGen allele CA16605782.